The following is an entry in ClinVar:

NM_000455.5(STK11):c.862+8C>T

Gene: STK11 (serine/threonine kinase 11; plus strand). Cytogenetic location: 19p13.3.
Variant type: single nucleotide variant.
Coding change: c.862+8C>T on transcript NM_000455.5 (MANE Select); 8 bases into the intron after coding-DNA position 862, C replaced by T.
Molecular consequence: intron variant.
Genome position (GRCh38, 1-based): chr19:1,221,348, C>T. VCF-style: chr19-1221348-C-T. GRCh37 (hg19) VCF-style: chr19-1221347-C-T.
Identifiers: ClinVar variation 492564 (VCV000492564.13), dbSNP rs1555738737, ClinGen allele CA658684213.

ClinVar aggregate classification (germline): Likely benign. Review status: criteria provided, multiple submitters, no conflicts (2 of 4 stars). 3 submissions from 3 submitters: Likely benign (3). Last evaluated 2025-03-27.

Conditions:
Hereditary cancer-predisposing syndrome. Also called: Tumor predisposition; Neoplastic Syndromes, Hereditary; Hereditary Cancer Syndrome; Hereditary neoplastic syndrome. Identifiers: Orphanet 140162, MedGen C0027672, MeSH D009386, MONDO:0015356.
Peutz-Jeghers syndrome (PJS). Also called: POLYPOSIS, HAMARTOMATOUS INTESTINAL; POLYPS-AND-SPOTS SYNDROME; Peutz-Jeghers polyposis; Periorificial lentiginosis syndrome. Identifiers: Orphanet 2869, MedGen C0031269, MeSH D010580, MONDO:0008280, OMIM 175200.

Allele frequency attached by ClinVar (database versions not stated): gnomAD exomes below 0.00001.
gnomAD v4.1: 1 of 1,600,444 alleles (0.000062%); highest among the groups gnomAD compares: East Asian, 0.0022%; no homozygotes.

Submissions (3):

Myriad Genetics, Inc.
Classification: Likely benign for Peutz-Jeghers syndrome. Last evaluated: 2025-03-27. Review status: criteria provided, single submitter. Criteria: Myriad Autosomal Dominant, Autosomal Recessive and X-Linked Classification Criteria (2023). Collection method: clinical testing. Allele origin: unknown.
Comment: This variant is considered likely benign. This variant is intronic and is not expected to impact mRNA splicing.

Labcorp Genetics (formerly Invitae), Labcorp
Classification: Likely benign for Peutz-Jeghers syndrome. Last evaluated: 2024-05-29. Review status: criteria provided, single submitter. Criteria: Invitae Variant Classification Sherloc (09022015). Collection method: clinical testing. Allele origin: germline.

Color Diagnostics, LLC DBA Color Health
Classification: Likely benign for Hereditary cancer-predisposing syndrome. Last evaluated: 2016-12-08. Review status: criteria provided, single submitter. Criteria: ACMG Guidelines, 2015. Collection method: clinical testing. Allele origin: germline.